The following is an entry in ClinVar:

ClinVar aggregate classification (germline): Likely pathogenic (1 of 4 stars; one submission).

Submission:

Labcorp Genetics (formerly Invitae), Labcorp
Classification: Likely pathogenic. Last evaluated: 2021-10-12. Review status: criteria provided, single submitter. Criteria: Invitae Variant Classification Sherloc (09022015). Collection method: clinical testing. Allele origin: germline.
Comment: This sequence change replaces glycine with alanine at codon 190 of the AGXT protein (p.Gly190Ala). The glycine residue is moderately conserved and there is a small physicochemical difference between glycine and alanine. This variant is not present in population databases (ExAC no frequency). This variant has not been reported in the literature in individuals affected with AGXT-related conditions. Advanced modeling of protein sequence and biophysical properties (such as structural, functional, and spatial information, amino acid conservation, physicochemical variation, residue mobility, and thermodynamic stability) performed at Invitae indicates that this missense variant is expected to disrupt AGXT protein function. This variant disrupts the p.Gly190 amino acid residue in AGXT. Other variant(s) that disrupt this residue have been determined to be pathogenic (PMID: 9604803, 15849466, 15961946, 27568336, 27935012). This suggests that this residue is clinically significant, and that variants that disrupt this residue are likely to be disease-causing. In summary, the currently available evidence indicates that the variant is pathogenic, but additional data are needed to prove that conclusively. Therefore, this variant has been classified as Likely Pathogenic.

Literature cited by the submitters: PubMed 9604803; PubMed 15849466; PubMed 15961946; PubMed 27568336; PubMed 27935012.

NM_000030.3(AGXT):c.569G>C (p.Gly190Ala)

Gene: AGXT (alanine--glyoxylate aminotransferase; plus strand). Cytogenetic location: 2q37.3.
Variant type: single nucleotide variant.
Coding change: c.569G>C on transcript NM_000030.3 (MANE Select); coding-DNA position 569, G replaced by C.
Protein change: p.Gly190Ala; replaces glycine 190 with alanine.
Molecular consequence: missense variant.
Genome position (GRCh38, 1-based): chr2:240,873,023, G>C. VCF-style: chr2-240873023-G-C. GRCh37 (hg19) VCF-style: chr2-241812440-G-C.
Other names: short protein forms G190A.
Identifiers: ClinVar variation 1510061 (VCV001510061.6), dbSNP rs2106429472, ClinGen allele CA351316580.
Genomic context (GRCh38, chr2:240,873,023, plus strand): 5'-TCCCCCACCTCTCCAGGTACAAGTGCCTGCTCCTGGTGGATTCGGTGGCATCCCTGGGCG[G>C]GACCCCCCTTTACATGGACCGGCAAGGTAAGGGTGGGCTCTGAGAGCCCTACCCAGCCCA-3'
Protein context (NP_000021.1, residues 180-200): LLVDSVASLG[Gly190Ala]TPLYMDRQGI